The following is an entry in ClinVar:

ClinVar aggregate classification (germline): Uncertain significance. Review status: criteria provided, multiple submitters, no conflicts (2 of 4 stars). 8 submissions from 8 submitters: Uncertain significance (8). Last evaluated 2025-11-12.

Conditions:
Cardiovascular phenotype. Identifiers: MedGen CN230736.
Cardiomyopathy (CMYO). Also called: Cardiomyopathies. Identifiers: Orphanet 167848, MedGen C0878544, MONDO:0004994, HP:0001638. Inheritance: Various modes of inheritance.
Arrhythmogenic right ventricular dysplasia 5. Also called: Arrhythmogenic Right Ventricular Dysplasia/Cardiomyopathy 5; ARRHYTHMOGENIC RIGHT VENTRICULAR DYSPLASIA, FAMILIAL, 5. Identifiers: MedGen C1858379, MONDO:0011459, OMIM 604400.

Allele frequency attached by ClinVar (database versions not stated): TOPMed 0.00001; gnomAD 0.00006.
gnomAD v4.1: 38 of 1,614,140 alleles (0.0024%); highest among the groups gnomAD compares: Non-Finnish European, 0.0026%; 1 homozygote.

Submissions (8):

Labcorp Genetics (formerly Invitae), Labcorp
Classification: Uncertain significance for Arrhythmogenic right ventricular dysplasia 5. Last evaluated: 2025-11-12. Review status: criteria provided, single submitter. Criteria: Invitae Variant Classification Sherloc (09022015). Collection method: clinical testing. Allele origin: germline.
Comment: This sequence change replaces serine, which is neutral and polar, with leucine, which is neutral and non-polar, at codon 193 of the TMEM43 protein (p.Ser193Leu). This variant is present in population databases (rs140380494, gnomAD 0.003%). This missense change has been observed in individual(s) with congenital myopathy or hypertrophic cardiomyopathy (PMID: 25214167, 30206291). ClinVar contains an entry for this variant (Variation ID: 466421). Invitae Evidence Modeling of protein sequence and biophysical properties (such as structural, functional, and spatial information, amino acid conservation, physicochemical variation, residue mobility, and thermodynamic stability) indicates that this missense variant is expected to disrupt TMEM43 protein function with a positive predictive value of 80%. In summary, the available evidence is currently insufficient to determine the role of this variant in disease. Therefore, it has been classified as a Variant of Uncertain Significance.

Blueprint Genetics
Classification: Uncertain significance. Last evaluated: 2024-11-23. Review status: criteria provided, single submitter. Criteria: ACMG Guidelines, 2015. Collection method: clinical testing. Allele origin: germline.

Ambry Genetics
Classification: Uncertain significance for Cardiovascular phenotype. Last evaluated: 2024-11-04. Review status: criteria provided, single submitter. Criteria: Ambry Variant Classification Scheme 2023. Collection method: clinical testing. Allele origin: germline.
Comment: The p.S193L variant (also known as c.578C>T), located in coding exon 7 of the TMEM43 gene, results from a C to T substitution at nucleotide position 578. The serine at codon 193 is replaced by leucine, an amino acid with dissimilar properties. This alteration has been reported in different cohorts, including a myopathy cohort and a hypertrophic cardiomyopathy cohort (Savarese M et al. Acta Neuropathol Commun, 2014 Sep;2:100; Inagaki N et al. J Hum Genet, 2018 Dec;63:1273-1276). This amino acid position is highly conserved in available vertebrate species. In addition, the in silico prediction for this alteration is inconclusive. Since supporting evidence is limited at this time, the clinical significance of this alteration remains unclear.

All of Us Research Program, National Institutes of Health
Classification: Uncertain significance for Arrhythmogenic right ventricular dysplasia 5. Last evaluated: 2024-09-23. Review status: criteria provided, single submitter. Criteria: ACMG Guidelines, 2015. Collection method: clinical testing. Allele origin: germline. Inheritance: Autosomal dominant inheritance. Observed: 27 variant alleles, 27 heterozygotes.
Comment: This missense variant replaces serine with leucine at codon 193 of the TMEM43 protein. Computational prediction suggests that this variant may not impact protein structure and function (internally defined REVEL score threshold <= 0.5, PMID: 27666373). To our knowledge, functional studies have not been reported for this variant. This variant has not been reported in individuals affected with cardiovascular disorders in the literature. This variant has been identified in 6/282850 chromosomes in the general population by the Genome Aggregation Database (gnomAD). The available evidence is insufficient to determine the role of this variant in disease conclusively. Therefore, this variant is classified as a Variant of Uncertain Significance.

This study involves interpretation of variants in research participants for the purpose of population health screening. Participant phenotype was not available at the time of variant classification. Additional details can be found in publication PMID: 35346344, PMCID: PMC8962531

CeGaT Center for Human Genetics Tuebingen
Classification: Uncertain significance. Last evaluated: 2024-07-01. Review status: criteria provided, single submitter. Criteria: CeGaT Center For Human Genetics Tuebingen Variant Classification Criteria Version 2. Collection method: clinical testing. Allele origin: germline. Affected: yes. Observed: 1 variant allele.

Color Diagnostics, LLC DBA Color Health
Classification: Uncertain significance for Cardiomyopathy. Last evaluated: 2024-02-07. Review status: criteria provided, single submitter. Criteria: ACMG Guidelines, 2015. Collection method: clinical testing. Allele origin: germline.
Comment: This missense variant replaces serine with leucine at codon 193 of the TMEM43 protein. Computational prediction suggests that this variant may not impact protein structure and function (internally defined REVEL score threshold <= 0.5, PMID: 27666373). To our knowledge, functional studies have not been reported for this variant. This variant has not been reported in individuals affected with cardiovascular disorders in the literature. This variant has been identified in 6/282850 chromosomes in the general population by the Genome Aggregation Database (gnomAD). The available evidence is insufficient to determine the role of this variant in disease conclusively. Therefore, this variant is classified as a Variant of Uncertain Significance.

GeneDx
Classification: Uncertain significance. Last evaluated: 2023-07-28. Review status: criteria provided, single submitter. Criteria: GeneDx Variant Classification Process June 2021. Collection method: clinical testing. Allele origin: germline. Affected: yes.
Comment: Reported in a patient with HCM and in another patient with congenital myopathy (Inagaki et al., 2018; Savarese et al., 2014); Not observed at significant frequency in large population cohorts (gnomAD); In silico analysis supports that this missense variant has a deleterious effect on protein structure/function; This variant is associated with the following publications: (PMID: 25214167, 30206291)

Women's Health and Genetics/Laboratory Corporation of America, LabCorp
Classification: Uncertain significance. Last evaluated: 2017-03-28. Review status: criteria provided, single submitter. Criteria: LabCorp Variant Classification Summary - May 2015. Collection method: clinical testing. Allele origin: germline.
Comment: Variant summary: The TMEM43 c.578C>T (p.Ser193Leu) variant involves the alteration of a conserved nucleotide. 4/4 in silico tools predict a damaging outcome for this variant (SNPs&GO not captured due to low reliability index). This variant is absent in 121408 control chromosomes. The variant was reported once in the literature, to our knowledge, without strong evidence for causality. The variant has not been reported in databases or clinical diagnostic labs. Taken together, this variant is classified as a "Variant of Uncertain Significance (VUS), until additional evidence becomes available.

Literature cited by the submitters: PubMed 25214167 (cited by 3 submitters); PubMed 30206291 (cited by Labcorp Genetics (formerly Invitae), Labcorp and Ambry Genetics); PubMed 29192238 (cited by Ambry Genetics).

NM_024334.3(TMEM43):c.578C>T (p.Ser193Leu)

Gene: TMEM43 (transmembrane protein 43; plus strand). Cytogenetic location: 3p25.1.
Variant type: single nucleotide variant.
Coding change: c.578C>T on transcript NM_024334.3 (MANE Select); coding-DNA position 578, C replaced by T.
Protein change: p.Ser193Leu; replaces serine 193 with leucine.
Molecular consequence: missense variant.
Genome position (GRCh38, 1-based): chr3:14,133,804, C>T. VCF-style: chr3-14133804-C-T. GRCh37 (hg19) VCF-style: chr3-14175304-C-T.
Other names: short protein forms S193L.
Identifiers: ClinVar variation 466421 (VCV000466421.41), dbSNP rs140380494, ClinGen allele CA69730675.